The following is an entry in ClinVar:

ClinVar aggregate classification (germline): Benign/Likely benign. Review status: criteria provided, multiple submitters, no conflicts (2 of 4 stars). 3 submissions from 3 submitters: Benign (1); Likely benign (2). Last evaluated 2023-12-05.

Allele frequency attached by ClinVar (database versions not stated): gnomAD 0.06365 and 0.06249; ESP Exome Variant Server 0.07091; gnomAD exomes 0.00950; ExAC 0.03356; 1000 Genomes Project 0.22883.

Submissions (3):

Mayo Clinic Laboratories, Mayo Clinic
Classification: Benign. Last evaluated: 2023-12-05. Review status: criteria provided, single submitter. Criteria: ACMG Guidelines, 2015. Collection method: clinical testing. Allele origin: germline. Observed: 6 variant alleles.
Comment: BA1, BS2

GeneDx
Classification: Likely benign. Last evaluated: 2020-01-09. Review status: criteria provided, single submitter. Criteria: GeneDx Variant Classification Process June 2021. Collection method: clinical testing. Allele origin: germline. Affected: yes.

Breakthrough Genomics
Classification: Likely benign. Review status: criteria provided, single submitter. Criteria: ACMG Guidelines, 2015. Collection method: not provided. Allele origin: germline. Inheritance: Autosomal dominant inheritance. Affected: yes.

NM_024496.4(IRF2BPL):c.342A>G (p.Gln114=)

Gene: IRF2BPL (interferon regulatory factor 2 binding protein like; minus strand). Cytogenetic location: 14q24.3.
Variant type: single nucleotide variant.
Coding change: c.342A>G on transcript NM_024496.4 (MANE Select); coding-DNA position 342, A replaced by G.
Protein change: p.Gln114=; no amino-acid change (glutamine 114 retained).
Molecular consequence: synonymous variant.
Genome position (GRCh38, 1-based): chr14:77,027,451, T>C on the plus strand (A>G on the coding strand, the complement: IRF2BPL is on the minus strand). VCF-style: chr14-77027451-T-C. GRCh37 (hg19) VCF-style: chr14-77493794-T-C.
Other names: p.Gln114=.
Identifiers: ClinVar variation 1189596 (VCV001189596.4), dbSNP rs28718623, ClinGen allele CA7284014.
Genomic context (GRCh38, chr14:77,027,451, plus strand): 5'-GGAACCATCAACGTGGTTGAGCTGTTGTTGCTGCTGCTGCTGCTGCTGCTGCTGCTGCTG[T>C]TGCTGCTGCTGCTGCTGCTGTTGCTGTTGCTGTTGCGCGGCGGCGGCGGCGGCCGCCGCT-3'
Protein context (NP_078772.1, residues 104-124): QQQQQQQQQQ[Gln114=]QQQQQQQQQQ